The following is an entry in ClinVar:

ClinVar aggregate classification (germline): Benign/Likely benign. Review status: criteria provided, multiple submitters, no conflicts (2 of 4 stars). 3 submissions from 3 submitters: Benign (1); Likely benign (2). Last evaluated 2025-01-24.

Conditions:
Hereditary nonpolyposis colorectal neoplasms. Identifiers: MedGen C0009405, MeSH D003123.
Hereditary cancer-predisposing syndrome. Also called: Neoplastic Syndromes, Hereditary; Tumor predisposition; Hereditary Cancer Syndrome; Hereditary neoplastic syndrome. Identifiers: Orphanet 140162, MedGen C0027672, MeSH D009386, MONDO:0015356.
Lynch syndrome 4 (LYNCH4). Also called: Colorectal cancer, hereditary nonpolyposis, type 4; Hereditary non-polyposis colorectal cancer, type 4. Identifiers: Orphanet 144, MedGen C1838333, MONDO:0013699, OMIM 614337. Disease mechanism: loss of function.

Submissions (3):

Myriad Genetics, Inc.
Classification: Benign for Lynch syndrome 4. Last evaluated: 2025-01-24. Review status: criteria provided, single submitter. Criteria: Myriad Autosomal Dominant, Autosomal Recessive and X-Linked Classification Criteria (2023). Collection method: clinical testing. Allele origin: unknown.
Comment: This variant is considered benign. This variant is a silent/synonymous amino acid change and it is not expected to impact splicing.

Labcorp Genetics (formerly Invitae), Labcorp
Classification: Likely benign for Hereditary nonpolyposis colorectal neoplasms. Last evaluated: 2024-01-05. Review status: criteria provided, single submitter. Criteria: Invitae Variant Classification Sherloc (09022015). Collection method: clinical testing. Allele origin: germline.

Ambry Genetics
Classification: Likely benign for Hereditary cancer-predisposing syndrome. Last evaluated: 2014-08-27. Review status: criteria provided, single submitter. Criteria: Ambry Variant Classification Scheme 2023. Collection method: clinical testing. Allele origin: germline.

NM_000535.7(PMS2):c.309T>G (p.Thr103=)

Gene: PMS2 (PMS1 homolog 2, mismatch repair system component; minus strand). Cytogenetic location: 7p22.1.
Variant type: single nucleotide variant.
Coding change: c.309T>G on transcript NM_000535.7 (MANE Select); coding-DNA position 309, T replaced by G.
Protein change: p.Thr103=; no amino-acid change (threonine 103 retained).
Molecular consequence: synonymous variant. On other transcripts: 5 prime UTR variant (9), non-coding transcript variant (1), intron variant (2).
Genome position (GRCh38, 1-based): chr7:6,003,734, A>C on the plus strand (T>G on the coding strand, the complement: PMS2 is on the minus strand). VCF-style: chr7-6003734-A-C. GRCh37 (hg19) VCF-style: chr7-6043365-A-C.
Other names: c.-97T>G (NM_001322003.2, NM_001322004.2, NM_001322005.2 and 3 more transcripts); c.309T>G, p.Thr103= (NM_001322006.2, NM_001322014.2); c.-576T>G (NM_001322011.2, NM_001322012.2); c.-176T>G (NM_001322015.2); c.35+238T>G (NM_001322008.2, NM_001322007.2).
Identifiers: ClinVar variation 186285 (VCV000186285.9), dbSNP rs786202834, ClinGen allele CA011820.